The following is an entry in ClinVar:

NM_001378454.1(ALMS1):c.8002C>T (p.Leu2668Phe)

Gene: ALMS1 (ALMS1 centrosome and basal body associated protein; plus strand). Cytogenetic location: 2p13.1.
Variant type: single nucleotide variant.
Coding change: c.8002C>T on transcript NM_001378454.1 (MANE Select); coding-DNA position 8002, C replaced by T.
Protein change: p.Leu2668Phe; replaces leucine 2668 with phenylalanine.
Molecular consequence: missense variant.
Genome position (GRCh38, 1-based): chr2:73,489,961, C>T. VCF-style: chr2-73489961-C-T. GRCh37 (hg19) VCF-style: chr2-73717088-C-T.
Other names: c.8005C>T, p.Leu2669Phe (NM_015120.4); short protein forms L2668F, L2669F.
Identifiers: ClinVar variation 2078926 (VCV002078926.4), dbSNP rs2466213720, ClinGen allele CA347266855.

ClinVar aggregate classification (germline): Uncertain significance (1 of 4 stars; one submission).

Conditions:
Alstrom syndrome (ALMS). Identifiers: Orphanet 64, MedGen C0268425, MONDO:0008763, OMIM 203800.

Submission:

Labcorp Genetics (formerly Invitae), Labcorp
Classification: Uncertain significance for Alstrom syndrome. Last evaluated: 2022-01-11. Review status: criteria provided, single submitter. Criteria: Invitae Variant Classification Sherloc (09022015). Collection method: clinical testing. Allele origin: germline.
Comment: This variant has not been reported in the literature in individuals affected with ALMS1-related conditions. This variant is not present in population databases (gnomAD no frequency). This sequence change replaces leucine, which is neutral and non-polar, with phenylalanine, which is neutral and non-polar, at codon 2669 of the ALMS1 protein (p.Leu2669Phe). Experimental studies and prediction algorithms are not available or were not evaluated, and the functional significance of this variant is currently unknown. In summary, the available evidence is currently insufficient to determine the role of this variant in disease. Therefore, it has been classified as a Variant of Uncertain Significance.